The following is an entry in ClinVar:

NM_000533.5(PLP1):c.92T>C (p.Leu31Pro)

Genes: PLP1 (proteolipid protein 1; plus strand), RAB9B (RAB9B, member RAS oncogene family; minus strand). Cytogenetic location: Xq22.2.
Variant type: single nucleotide variant.
Coding change: c.92T>C on transcript NM_000533.5 (MANE Select); coding-DNA position 92, T replaced by C.
Protein change: p.Leu31Pro; replaces leucine 31 with proline.
Molecular consequence: missense variant. On other transcripts: intron variant (1).
Genome position (GRCh38, 1-based): chrX:103,785,669, T>C. VCF-style: chrX-103785669-T-C. GRCh37 (hg19) VCF-style: chrX-103040598-T-C.
Other names: c.92T>C, p.Leu31Pro (NM_001128834.3, NM_199478.3); c.5-78T>C (NM_001305004.1); short protein forms L31P.
Identifiers: ClinVar variation 3907190 (VCV003907190.1).
Genomic context (GRCh38, chrX:103,785,669, plus strand): 5'-TGGTAGGGGCCCCCTTTGCTTCCCTGGTGGCCACTGGATTGTGTTTCTTTGGGGTGGCAC[T>C]GTTCTGTGGCTGTGGACATGAAGCCCTCACTGGCACAGAAAAGCTAATTGAGACCTATTT-3'
Protein context (NP_000524.3, residues 21-41): ATGLCFFGVA[Leu31Pro]FCGCGHEALT

ClinVar aggregate classification (germline): Likely pathogenic (1 of 4 stars; one submission).

Conditions:
Pelizaeus-Merzbacher disease. Also called: Pelizeaus-Merzbacher spectrum disorder; LEUKODYSTROPHY, HYPOMYELINATING, 1; Sudanophilic leukodystrophy; Pelizaeus-Merzbacher spectrum disorder; Pelizaeus-Merzbacher Disease (PMD). Identifiers: Orphanet 702, MedGen C0205711, MONDO:0010714, OMIM 312080, HP:0003269.

Submission:

Women's Health and Genetics/Laboratory Corporation of America, LabCorp
Classification: Likely pathogenic for Pelizaeus-Merzbacher disease. Last evaluated: 2025-06-11. Review status: criteria provided, single submitter. Criteria: LabCorp Variant Classification Summary - May 2015. Collection method: clinical testing. Allele origin: germline.
Comment: Variant summary: PLP1 c.92T>C (p.Leu31Pro) results in a non-conservative amino acid change in the encoded protein sequence. Algorithms developed to predict the effect of missense changes on protein structure and function all suggest that this variant is likely to be disruptive. The variant was absent in 183410 control chromosomes (gnomAD). c.92T>C has been observed in individuals affected with Pelizaeus-Merzbacher disease (gnomAD). These data indicate that the variant may be associated with disease. At least one publication reports experimental evidence evaluating an impact on protein function. The variant resulted in substantial reduction in cells expressing PLP and caused retention of the protein in the endoplasmic reticulum (Cloake_2018). No submitters have cited clinical-significance assessments for this variant to ClinVar. Based on the evidence outlined above, the variant was classified as likely pathogenic.

Literature cited by the submitters: PubMed 30314286; PubMed 11093273; PubMed 35346287.